The following is an entry in ClinVar:

NM_001006658.3(CR2):c.1295G>A (p.Gly432Glu)

Gene: CR2 (complement C3d receptor 2; plus strand). Cytogenetic location: 1q32.2.
Variant type: single nucleotide variant.
Coding change: c.1295G>A on transcript NM_001006658.3 (MANE Select); coding-DNA position 1295, G replaced by A.
Protein change: p.Gly432Glu; replaces glycine 432 with glutamic acid.
Molecular consequence: missense variant.
Genome position (GRCh38, 1-based): chr1:207,470,809, G>A. VCF-style: chr1-207470809-G-A. GRCh37 (hg19) VCF-style: chr1-207644154-G-A.
Other names: c.1295G>A, p.Gly432Glu (NM_001877.5); c.1295G>A (NM_001006658.2); short protein forms G432E.
Identifiers: ClinVar variation 1655911 (VCV001655911.11), dbSNP rs781255614, ClinGen allele CA1368682.

ClinVar aggregate classification (germline): Conflicting classifications of pathogenicity. Review status: criteria provided, conflicting classifications (1 of 4 stars). 3 submissions from 3 submitters: Uncertain significance (1); Likely benign (1). 1 of the submissions does not count toward it. Last evaluated 2025-04-29.

Conditions:
CR2-related disorder. Also called: CR2-related condition; CR2-related disorders.
Immunodeficiency, common variable, 7. Identifiers: Orphanet 1572, Orphanet 696894, MedGen C3542922, MONDO:0013862, OMIM 614699.

gnomAD v4.1: 482 of 1,613,842 alleles (0.03%); highest among the groups gnomAD compares: South Asian, 0.51%; 5 homozygotes.

Submissions (3):

Labcorp Genetics (formerly Invitae), Labcorp
Classification: Likely benign for Immunodeficiency, common variable, 7. Last evaluated: 2025-04-29. Review status: criteria provided, single submitter. Criteria: Invitae Variant Classification Sherloc (09022015). Collection method: clinical testing. Allele origin: germline.

Blueprint Genetics
Classification: Uncertain significance. Last evaluated: 2024-08-29. Review status: criteria provided, single submitter. Criteria: ACMG Guidelines, 2015. Collection method: clinical testing. Allele origin: germline.

PreventionGenetics, part of Exact Sciences
Classification: Likely benign for CR2-related condition. Last evaluated: 2021-04-21. Review status: no assertion criteria provided. Collection method: clinical testing. Allele origin: germline. Not counted in ClinVar's aggregate classification.
Comment: This variant is classified as likely benign based on ACMG/AMP sequence variant interpretation guidelines (Richards et al. 2015 PMID: 25741868, with internal and published modifications).